The following is an entry in ClinVar:

NM_138694.4(PKHD1):c.6361delinsAGAATA (p.Val2121fs)

Gene: PKHD1 (PKHD1 ciliary IPT domain containing fibrocystin/polyductin; minus strand). Cytogenetic location: 6p12.2.
Variant type: Indel.
Coding change: c.6361delinsAGAATA on transcript NM_138694.4 (MANE Select); coding-DNA position 6361, G replaced by AGAATA.
Protein change: p.Val2121fs; shifts the reading frame from valine 2121.
Molecular consequence: frameshift variant.
Genome position (GRCh38, 1-based): chr6:51,911,928, C replaced by TATTCT on the plus strand (G replaced by AGAATA on the coding strand, the reverse complement: PKHD1 is on the minus strand). VCF-style: chr6-51911928-C-TATTCT. GRCh37 (hg19) VCF-style: chr6-51776726-C-TATTCT.
Other names: c.6361delinsAGAATA, p.Val2121fs (NM_170724.3); short protein forms V2121fs.
Identifiers: ClinVar variation 4816716 (VCV004816716.1).

ClinVar aggregate classification (germline): Likely pathogenic (1 of 4 stars; one submission).

Conditions:
Autosomal recessive polycystic kidney disease (ARPKD). Also called: AR polycystic kidney disease. Identifiers: Orphanet 731, Orphanet 8378, MedGen C0085548, MeSH D017044, MONDO:0009889.

Submission:

Natera, Inc.
Classification: Likely pathogenic for Autosomal recessive polycystic kidney disease. Last evaluated: 2025-01-24. Review status: criteria provided, single submitter. Criteria: Natera Variant Classification Schema (03/2026). Collection method: clinical testing. Allele origin: germline.
Comment: The c.6361delinsAGAATA variant in PKHD1 is a frameshift variant predicted to shift the reading frame beginning at codon 2121 and leads to a stop codon 10 codons downstream. This variant is expected to result in nonsense mediated decay, truncation, or a dysfunctional protein product. This variant is rare in the general population with a frequency below the threshold expected for the associated phenotype(s). Given the available evidence, this variant is classified as Likely Pathogenic.